The following is an entry in ClinVar:

NM_005204.4(MAP3K8):c.169G>A (p.Asp57Asn)

Gene: MAP3K8 (mitogen-activated protein kinase kinase kinase 8; plus strand). Cytogenetic location: 10p11.23.
Variant type: single nucleotide variant.
Coding change: c.169G>A on transcript NM_005204.4 (MANE Select); coding-DNA position 169, G replaced by A.
Protein change: p.Asp57Asn; replaces aspartic acid 57 with asparagine.
Molecular consequence: missense variant.
Genome position (GRCh38, 1-based): chr10:30,439,107, G>A. VCF-style: chr10-30439107-G-A. GRCh37 (hg19) VCF-style: chr10-30728036-G-A.
Other names: c.169G>A, p.Asp57Asn (NM_001244134.1, NM_001320961.2); c.169G>A (NM_005204.3); short protein forms D57N.
Identifiers: ClinVar variation 1371248 (VCV001371248.10), dbSNP rs150001848, ClinGen allele CA5459596.

ClinVar aggregate classification (germline): Conflicting classifications of pathogenicity. Review status: criteria provided, conflicting classifications (1 of 4 stars). 4 submissions from 4 submitters: Uncertain significance (2); Likely benign (1). 1 of the submissions does not count toward it. Last evaluated 2024-12-30.

Conditions:
MAP3K8-related disorder. Also called: MAP3K8-related condition.

Allele frequency attached by ClinVar (database versions not stated): gnomAD 0.00001 and 0.00003; ExAC 0.00002; gnomAD exomes 0.00002; TOPMed 0.00004; 1000 Genomes Project 30x 0.00016; 1000 Genomes Project 0.00020.
gnomAD v4.1: 30 of 1,614,222 alleles (0.0019%); highest among the groups gnomAD compares: East Asian, 0.029%; no homozygotes.

Submissions (4):

Ambry Genetics
Classification: Uncertain significance. Last evaluated: 2024-12-30. Review status: criteria provided, single submitter. Criteria: Ambry Variant Classification Scheme 2023. Collection method: clinical testing. Allele origin: germline.

Blueprint Genetics
Classification: Likely benign. Last evaluated: 2024-11-08. Review status: criteria provided, single submitter. Criteria: ACMG Guidelines, 2015. Collection method: clinical testing. Allele origin: germline.

Labcorp Genetics (formerly Invitae), Labcorp
Classification: Uncertain significance. Last evaluated: 2024-07-19. Review status: criteria provided, single submitter. Criteria: Invitae Variant Classification Sherloc (09022015). Collection method: clinical testing. Allele origin: germline.
Comment: This sequence change replaces aspartic acid, which is acidic and polar, with asparagine, which is neutral and polar, at codon 57 of the MAP3K8 protein (p.Asp57Asn). This variant is present in population databases (rs150001848, gnomAD 0.02%). This variant has not been reported in the literature in individuals affected with MAP3K8-related conditions. ClinVar contains an entry for this variant (Variation ID: 1371248). An algorithm developed to predict the effect of missense changes on protein structure and function (PolyPhen-2) suggests that this variant is likely to be tolerated. In summary, the available evidence is currently insufficient to determine the role of this variant in disease. Therefore, it has been classified as a Variant of Uncertain Significance.

PreventionGenetics, part of Exact Sciences
Classification: Uncertain significance for MAP3K8-related condition. Last evaluated: 2024-09-19. Review status: no assertion criteria provided. Collection method: clinical testing. Allele origin: germline. Not counted in ClinVar's aggregate classification.
Comment: The MAP3K8 c.169G>A variant is predicted to result in the amino acid substitution p.Asp57Asn. To our knowledge, this variant has not been reported in the literature. This variant is reported in 0.033% of alleles in individuals of East Asian descent in gnomAD. Although we suspect that this variant may be benign, at this time, the clinical significance of this variant is uncertain due to the absence of conclusive functional and genetic evidence.